The following is an entry in ClinVar:

NM_017882.3(CLN6):c.83+15G>A

Gene: CLN6 (CLN6 transmembrane ER protein; minus strand). Cytogenetic location: 15q23.
Variant type: single nucleotide variant.
Coding change: c.83+15G>A on transcript NM_017882.3 (MANE Select); 15 bases into the intron after coding-DNA position 83, G replaced by A.
Molecular consequence: intron variant.
Genome position (GRCh38, 1-based): chr15:68,229,487, C>T on the plus strand (G>A on the coding strand, the complement: CLN6 is on the minus strand). VCF-style: chr15-68229487-C-T. GRCh37 (hg19) VCF-style: chr15-68521825-C-T.
Identifiers: ClinVar variation 2116017 (VCV002116017.1), dbSNP rs1460250176, ClinGen allele CA618959419.

ClinVar aggregate classification (germline): Uncertain significance (1 of 4 stars; one submission).

Conditions:
Neuronal ceroid lipofuscinosis. Also called: Neuronal Ceroid Lipofuscinoses. Identifiers: Orphanet 216, Orphanet 79263, MedGen C0027877, MONDO:0016295. Disease mechanism: loss of function.

Allele frequency attached by ClinVar (database versions not stated): gnomAD exomes below 0.00001; gnomAD 0.00001; TOPMed 0.00002.

Submission:

Labcorp Genetics (formerly Invitae), Labcorp
Classification: Uncertain significance for Neuronal ceroid lipofuscinosis. Last evaluated: 2022-09-27. Review status: criteria provided, single submitter. Criteria: Invitae Variant Classification Sherloc (09022015). Collection method: clinical testing. Allele origin: germline.
Comment: This sequence change falls in intron 1 of the CLN6 gene. It does not directly change the encoded amino acid sequence of the CLN6 protein. This variant is not present in population databases (gnomAD no frequency). This variant has not been reported in the literature in individuals affected with CLN6-related conditions. Algorithms developed to predict the effect of sequence changes on RNA splicing suggest that this variant may create or strengthen a splice site. In summary, the available evidence is currently insufficient to determine the role of this variant in disease. Therefore, it has been classified as a Variant of Uncertain Significance.